The following is an entry in ClinVar:

NM_004519.4(KCNQ3):c.1838T>C (p.Ile613Thr)

Gene: KCNQ3 (potassium voltage-gated channel subfamily Q member 3; minus strand). Cytogenetic location: 8q24.22.
Variant type: single nucleotide variant.
Coding change: c.1838T>C on transcript NM_004519.4 (MANE Select); coding-DNA position 1838, T replaced by C.
Protein change: p.Ile613Thr; replaces isoleucine 613 with threonine.
Molecular consequence: missense variant.
Genome position (GRCh38, 1-based): chr8:132,132,226, A>G on the plus strand (T>C on the coding strand, the complement: KCNQ3 is on the minus strand). VCF-style: chr8-132132226-A-G. GRCh37 (hg19) VCF-style: chr8-133144473-A-G.
Other names: c.1478T>C, p.Ile493Thr (NM_001204824.2); short protein forms I493T, I613T.
Identifiers: ClinVar variation 1001990 (VCV001001990.8), dbSNP rs1488846886, ClinGen allele CA372217863.

ClinVar aggregate classification (germline): Uncertain significance (1 of 4 stars; one submission).

Conditions:
Benign neonatal seizures. Also called: Benign familial neonatal seizures; Convulsions benign familial neonatal dominant form; Autosomal dominant form of benign neonatal seizures; Benign familial neonatal epilepsy; Benign neonatal familial convulsions. Identifiers: Orphanet 1949, MedGen C0220669, MONDO:0016027.

Allele frequency attached by ClinVar (database versions not stated): TOPMed below 0.00001; gnomAD exomes 0.00001.
gnomAD v4.1: 18 of 1,613,914 alleles (0.0011%); highest among the groups gnomAD compares: Non-Finnish European, 0.0015%; no homozygotes.

Submission:

Labcorp Genetics (formerly Invitae), Labcorp
Classification: Uncertain significance for Benign neonatal seizures. Last evaluated: 2020-03-24. Review status: criteria provided, single submitter. Criteria: Invitae Variant Classification Sherloc (09022015). Collection method: clinical testing. Allele origin: germline.
Comment: In summary, the available evidence is currently insufficient to determine the role of this variant in disease. Therefore, it has been classified as a Variant of Uncertain Significance. Algorithms developed to predict the effect of missense changes on protein structure and function output the following: SIFT: "Tolerated"; PolyPhen-2: "Benign"; Align-GVGD: "Class C0". The threonine amino acid residue is found in multiple mammalian species, suggesting that this missense change does not adversely affect protein function. These predictions have not been confirmed by published functional studies and their clinical significance is uncertain. This variant has not been reported in the literature in individuals with KCNQ3-related conditions. This variant is not present in population databases (ExAC no frequency). This sequence change replaces isoleucine with threonine at codon 613 of the KCNQ3 protein (p.Ile613Thr). The isoleucine residue is weakly conserved and there is a moderate physicochemical difference between isoleucine and threonine.